The following is an entry in ClinVar:

NM_004655.4(AXIN2):c.201G>C (p.Gly67=)

Gene: AXIN2 (axin 2; minus strand). Cytogenetic location: 17q24.1.
Variant type: single nucleotide variant.
Coding change: c.201G>C on transcript NM_004655.4 (MANE Select); coding-DNA position 201, G replaced by C.
Protein change: p.Gly67=; no amino-acid change (glycine 67 retained).
Molecular consequence: synonymous variant.
Genome position (GRCh38, 1-based): chr17:65,558,420, C>G on the plus strand (G>C on the coding strand, the complement: AXIN2 is on the minus strand). VCF-style: chr17-65558420-C-G. GRCh37 (hg19) VCF-style: chr17-63554538-C-G.
Other names: c.201G>C, p.Gly67= (NM_001363813.1).
Identifiers: ClinVar variation 1654815 (VCV001654815.11), dbSNP rs1303253199, ClinGen allele CA501691476.

ClinVar aggregate classification (germline): Benign/Likely benign. Review status: criteria provided, multiple submitters, no conflicts (2 of 4 stars). 3 submissions from 3 submitters: Benign (1); Likely benign (2). Last evaluated 2025-06-03.

Conditions:
Hereditary cancer-predisposing syndrome. Also called: Neoplastic Syndromes, Hereditary; Hereditary Cancer Syndrome; Hereditary neoplastic syndrome; Tumor predisposition. Identifiers: Orphanet 140162, MedGen C0027672, MeSH D009386, MONDO:0015356.
Oligodontia-cancer predisposition syndrome. Also called: TOOTH AGENESIS-COLORECTAL CANCER SYNDROME. Identifiers: Orphanet 300576, MedGen C1837750, MONDO:0012075, OMIM 608615. Disease mechanism: loss of function.

Allele frequency attached by ClinVar (database versions not stated): gnomAD 0.00001; TOPMed 0.00001.
gnomAD v4.1: 1 of 1,600,594 alleles (0.000062%); highest among the groups gnomAD compares: East Asian, 0.0022%; no homozygotes.

Submissions (3):

Labcorp Genetics (formerly Invitae), Labcorp
Classification: Likely benign for Oligodontia-cancer predisposition syndrome. Last evaluated: 2025-06-03. Review status: criteria provided, single submitter. Criteria: Invitae Variant Classification Sherloc (09022015). Collection method: clinical testing. Allele origin: germline.

Myriad Genetics, Inc.
Classification: Benign for Oligodontia-cancer predisposition syndrome. Last evaluated: 2024-06-25. Review status: criteria provided, single submitter. Criteria: Myriad Autosomal Dominant, Autosomal Recessive and X-Linked Classification Criteria (2023). Collection method: clinical testing. Allele origin: unknown.
Comment: This variant is considered benign. This variant is a silent/synonymous amino acid change and it is not expected to impact splicing.

Ambry Genetics
Classification: Likely benign for Hereditary cancer-predisposing syndrome. Last evaluated: 2022-08-03. Review status: criteria provided, single submitter. Criteria: Ambry Variant Classification Scheme 2023. Collection method: clinical testing. Allele origin: germline.